The following is an entry in ClinVar:

NM_177438.3(DICER1):c.5527+7T>C

Gene: DICER1 (dicer 1, ribonuclease III; minus strand). Cytogenetic location: 14q32.13.
Variant type: single nucleotide variant.
Coding change: c.5527+7T>C on transcript NM_177438.3 (MANE Select); 7 bases into the intron after coding-DNA position 5527, T replaced by C.
Molecular consequence: intron variant.
Genome position (GRCh38, 1-based): chr14:95,091,196, A>G on the plus strand (T>C on the coding strand, the complement: DICER1 is on the minus strand). VCF-style: chr14-95091196-A-G. GRCh37 (hg19) VCF-style: chr14-95557533-A-G.
Other names: c.5527+7T>C (NM_001291628.2, NM_030621.4, NM_001271282.3); c.5365-87T>C (NM_001195573.1).
Identifiers: ClinVar variation 727919 (VCV000727919.19), dbSNP rs375239471, ClinGen allele CA7330651.
Genomic context (GRCh38, chr14:95,091,196, plus strand): 5'-GAATAATATCTCTGAAGTTGTTTTTAATTTTGTGGGTTTTTTTCTTTCTAAAGGGAGCCA[A>G]CAATACCTATTAGTGGCCGCATCATGGGATAGTACACCTGCCAGACTGTCTCCAGTGACA-3'

ClinVar aggregate classification (germline): Likely benign. Review status: criteria provided, multiple submitters, no conflicts (2 of 4 stars). 6 submissions from 6 submitters: Likely benign (5). 1 of the submissions does not count toward it. Last evaluated 2026-04-14.

Conditions:
DICER1-related disorder. Also called: DICER1-related condition.
DICER1-related tumor predisposition. Also called: DICER1-related pleuropulmonary blastoma cancer predisposition syndrome; DICER1 syndrome. Identifiers: Orphanet 284343, MedGen C3839822, MONDO:0100216.
Hereditary cancer-predisposing syndrome. Also called: Hereditary Cancer Syndrome; Hereditary neoplastic syndrome; Neoplastic Syndromes, Hereditary; Tumor predisposition. Identifiers: Orphanet 140162, MedGen C0027672, MeSH D009386, MONDO:0015356.

Allele frequency attached by ClinVar (database versions not stated): TOPMed 0.00002.
gnomAD v4.1: 13 of 1,614,192 alleles (0.00081%); highest among the groups gnomAD compares: Non-Finnish European, 0.00093%; no homozygotes.

Submissions (6):

Myriad Genetics, Inc.
Classification: Likely benign for DICER1-related tumor predisposition. Last evaluated: 2026-04-14. Review status: criteria provided, single submitter. Criteria: Myriad Autosomal Dominant, Autosomal Recessive and X-Linked Classification Criteria (2023). Collection method: clinical testing. Allele origin: unknown.
Comment: This variant is considered likely benign. This variant is intronic and is not expected to impact mRNA splicing.

Labcorp Genetics (formerly Invitae), Labcorp
Classification: Likely benign for DICER1-related tumor predisposition. Last evaluated: 2026-01-16. Review status: criteria provided, single submitter. Criteria: Invitae Variant Classification Sherloc (09022015). Collection method: clinical testing. Allele origin: germline.

Quest Diagnostics Nichols Institute San Juan Capistrano
Classification: Likely benign. Last evaluated: 2025-05-02. Review status: criteria provided, single submitter. Criteria: Quest Diagnostics criteria. Collection method: clinical testing. Allele origin: unknown.

Center for Genomic Medicine, Rigshospitalet, Copenhagen University Hospital
Classification: Likely benign. Last evaluated: 2025-03-04. Review status: criteria provided, single submitter. Criteria: ACMG Guidelines, 2015. Collection method: clinical testing. Allele origin: germline.

Hereditary Cancer Group, L’Institut d'Investigació Biomèdica de Bellvitge
Classification: Likely benign for Hereditary cancer-predisposing syndrome. Last evaluated: 2024-12-19. Review status: criteria provided, single submitter. Criteria: Hatton et al. (Hum Mutat. 2023). Collection method: clinical testing. Allele origin: germline. Inheritance: Autosomal dominant inheritance. Affected: yes.
Comment: BP4, BP7

PreventionGenetics, part of Exact Sciences
Classification: Likely benign for DICER1-related condition. Last evaluated: 2022-01-26. Review status: no assertion criteria provided. Collection method: clinical testing. Allele origin: germline. Not counted in ClinVar's aggregate classification.
Comment: This variant is classified as likely benign based on ACMG/AMP sequence variant interpretation guidelines (Richards et al. 2015 PMID: 25741868, with internal and published modifications).